The following is an entry in ClinVar:

ClinVar aggregate classification (germline): Uncertain significance. Review status: criteria provided, multiple submitters, no conflicts (2 of 4 stars). 2 submissions from 2 submitters: Uncertain significance (2). Last evaluated 2026-04-14.

Conditions:
Hereditary cancer-predisposing syndrome. Also called: Tumor predisposition; Neoplastic Syndromes, Hereditary; Hereditary neoplastic syndrome; Hereditary Cancer Syndrome. Identifiers: Orphanet 140162, MedGen C0027672, MeSH D009386, MONDO:0015356.

Allele frequency attached by ClinVar (database versions not stated): gnomAD exomes below 0.00001.
gnomAD v4.1: 1 of 1,601,346 alleles (0.000062%); highest among the groups gnomAD compares: Non-Finnish European, 0.000085%; no homozygotes.

Submissions (2):

Ambry Genetics
Classification: Uncertain significance for Hereditary cancer-predisposing syndrome. Last evaluated: 2026-04-14. Review status: criteria provided, single submitter. Criteria: Ambry Variant Classification Scheme 2023. Collection method: clinical testing. Allele origin: germline.
Comment: The c.6005-3C>A intronic variant results from a C to A substitution 3 nucleotides upstream from coding exon 44 in the POLE gene. This nucleotide position is highly conserved in available vertebrate species. In silico splice site analysis predicts that this alteration will weaken the native splice acceptor site and result in the creation or strengthening of a novel splice acceptor site; however, direct evidence is insufficient at this time (Ambry internal data). Based on the available evidence, the clinical significance of this variant remains unclear.

Labcorp Genetics (formerly Invitae), Labcorp
Classification: Uncertain significance. Last evaluated: 2023-07-25. Review status: criteria provided, single submitter. Criteria: Invitae Variant Classification Sherloc (09022015). Collection method: clinical testing. Allele origin: germline.
Comment: This variant has not been reported in the literature in individuals affected with POLE-related conditions. This variant is not present in population databases (gnomAD no frequency). This sequence change falls in intron 43 of the POLE gene. It does not directly change the encoded amino acid sequence of the POLE protein. It affects a nucleotide within the consensus splice site. ClinVar contains an entry for this variant (Variation ID: 836568). In summary, the available evidence is currently insufficient to determine the role of this variant in disease. Therefore, it has been classified as a Variant of Uncertain Significance. Variants that disrupt the consensus splice site are a relatively common cause of aberrant splicing (PMID: 17576681, 9536098). Algorithms developed to predict the effect of sequence changes on RNA splicing suggest that this variant may disrupt the consensus splice site.

Literature cited by the submitters: PubMed 17576681 (cited by Labcorp Genetics (formerly Invitae), Labcorp); PubMed 9536098 (cited by Labcorp Genetics (formerly Invitae), Labcorp).

NM_006231.4(POLE):c.6005-3C>A

Gene: POLE (DNA polymerase epsilon, catalytic subunit; minus strand). Cytogenetic location: 12q24.33.
Variant type: single nucleotide variant.
Coding change: c.6005-3C>A on transcript NM_006231.4 (MANE Select); 3 bases into the intron before coding-DNA position 6005, C replaced by A.
Molecular consequence: intron variant.
Genome position (GRCh38, 1-based): chr12:132,632,798, G>T on the plus strand (C>A on the coding strand, the complement: POLE is on the minus strand). VCF-style: chr12-132632798-G-T. GRCh37 (hg19) VCF-style: chr12-133209384-G-T.
Other names: c.6005-3C>A (NM_006231.2).
Identifiers: ClinVar variation 836568 (VCV000836568.10), dbSNP rs1555221015, ClinGen allele CA916082369.